The following is an entry in ClinVar:

ClinVar aggregate classification (germline): Likely benign. Review status: criteria provided, multiple submitters, no conflicts (2 of 4 stars). 8 submissions from 8 submitters: Likely benign (6). 2 of the submissions do not count toward it. Last evaluated 2026-02-01.

Conditions:
AIRE-related disorder. Also called: AIRE-related condition.
Polyglandular autoimmune syndrome, type 1 (APS1). Also called: APS I; HYPOADRENOCORTICISM WITH HYPOPARATHYROIDISM AND SUPERFICIAL MONILIASIS; PGA I; Whitaker syndrome; AUTOIMMUNE POLYENDOCRINE SYNDROME, TYPE I, WITH OR WITHOUT REVERSIBLE METAPHYSEAL DYSPLASIA; Autoimmune polyendocrinopathy syndrome , type I, with or without reversible metaphyseal dysplasia. Identifiers: Orphanet 3453, MedGen C0085859, MONDO:0009411, OMIM 240300.

Allele frequency attached by ClinVar (database versions not stated): gnomAD exomes 0.00015; ExAC 0.00019; 1000 Genomes Project 0.00040; ESP Exome Variant Server 0.00054; 1000 Genomes Project 30x 0.00062; gnomAD 0.00066; TOPMed 0.00069.
gnomAD v4.1: 306 of 1,596,718 alleles (0.019%); highest among the groups gnomAD compares: African/African-American, 0.23%; 5 homozygotes.

Submissions (8):

Labcorp Genetics (formerly Invitae), Labcorp
Classification: Likely benign for Polyglandular autoimmune syndrome, type 1. Last evaluated: 2026-02-01. Review status: criteria provided, single submitter. Criteria: Invitae Variant Classification Sherloc (09022015). Collection method: clinical testing. Allele origin: germline.

Mayo Clinic Laboratories, Mayo Clinic
Classification: Likely benign. Last evaluated: 2025-04-25. Review status: criteria provided, single submitter. Criteria: ACMG Guidelines, 2015. Collection method: clinical testing. Allele origin: germline. Observed: 2 variant alleles.
Comment: BS1, BP4, BP7

Blueprint Genetics
Classification: Likely benign. Last evaluated: 2024-02-20. Review status: criteria provided, single submitter. Criteria: ACMG Guidelines, 2015. Collection method: clinical testing. Allele origin: germline.

CeGaT Center for Human Genetics Tuebingen
Classification: Likely benign. Last evaluated: 2022-07-01. Review status: criteria provided, single submitter. Criteria: CeGaT Center For Human Genetics Tuebingen Variant Classification Criteria Version 2. Collection method: clinical testing. Allele origin: germline. Affected: yes. Observed: 1 variant allele.
Comment: AIRE: BP4, BP7

Genetic Services Laboratory, University of Chicago
Classification: Likely benign. Last evaluated: 2020-09-16. Review status: criteria provided, single submitter. Criteria: ACMG Guidelines, 2015. Collection method: clinical testing. Allele origin: germline. Affected: no.

Breakthrough Genomics
Classification: Likely benign. Review status: criteria provided, single submitter. Criteria: ACMG Guidelines, 2015. Collection method: not provided. Allele origin: germline. Inheritance: Autosomal recessive inheritance. Affected: yes.

PreventionGenetics, part of Exact Sciences
Classification: Likely benign for AIRE-related condition. Last evaluated: 2024-07-18. Review status: no assertion criteria provided. Collection method: clinical testing. Allele origin: germline. Not counted in ClinVar's aggregate classification.
Comment: This variant is classified as likely benign based on ACMG/AMP sequence variant interpretation guidelines (Richards et al. 2015 PMID: 25741868, with internal and published modifications).

Natera, Inc.
Classification: Likely benign for Polyglandular autoimmune syndrome type 1. Last evaluated: 2020-04-29. Review status: no assertion criteria provided. Collection method: clinical testing. Allele origin: germline. Not counted in ClinVar's aggregate classification.

NM_000383.4(AIRE):c.1383C>T (p.Ala461=)

Gene: AIRE (autoimmune regulator; plus strand). Cytogenetic location: 21q22.3.
Variant type: single nucleotide variant.
Coding change: c.1383C>T on transcript NM_000383.4 (MANE Select); coding-DNA position 1383, C replaced by T.
Protein change: p.Ala461=; no amino-acid change (alanine 461 retained).
Molecular consequence: synonymous variant.
Genome position (GRCh38, 1-based): chr21:44,293,893, C>T. VCF-style: chr21-44293893-C-T. GRCh37 (hg19) VCF-style: chr21-45713776-C-T.
Other names: p.Ala461=.
Identifiers: ClinVar variation 720631 (VCV000720631.47), dbSNP rs147485628, ClinGen allele CA10052079.